The following is an entry in ClinVar:

NM_001364905.1(LRBA):c.6553C>T (p.Arg2185Cys)

Gene: LRBA (LPS responsive beige-like anchor protein; minus strand). Cytogenetic location: 4q31.3.
Variant type: single nucleotide variant.
Coding change: c.6553C>T on transcript NM_001364905.1 (MANE Select); coding-DNA position 6553, C replaced by T.
Protein change: p.Arg2185Cys; replaces arginine 2185 with cysteine.
Molecular consequence: missense variant.
Genome position (GRCh38, 1-based): chr4:150,471,738, G>A on the plus strand (C>T on the coding strand, the complement: LRBA is on the minus strand). VCF-style: chr4-150471738-G-A. GRCh37 (hg19) VCF-style: chr4-151392890-G-A.
Other names: c.6553C>T, p.Arg2185Cys (NM_001199282.3, NM_001367550.1); c.6586C>T, p.Arg2196Cys (NM_006726.5); short protein forms R2185C, R2196C.
Identifiers: ClinVar variation 1314758 (VCV001314758.7), dbSNP rs764408115, ClinGen allele CA3101872.

ClinVar aggregate classification (germline): Uncertain significance. Review status: criteria provided, multiple submitters, no conflicts (2 of 4 stars). 2 submissions from 2 submitters: Uncertain significance (2). Last evaluated 2022-10-25.

Conditions:
Combined immunodeficiency due to LRBA deficiency. Also called: Common variable immunodeficiency 8, with autoimmunity. Identifiers: Orphanet 445018, MedGen C3553512, MONDO:0013863, OMIM 614700.

Allele frequency attached by ClinVar (database versions not stated): TOPMed below 0.00001; ExAC 0.00001; gnomAD 0.00001; gnomAD exomes 0.00001 and 0.00003.
gnomAD v4.1: 17 of 1,424,682 alleles (0.0012%); highest among the groups gnomAD compares: Admixed American, 0.0092%; no homozygotes.

Submissions (2):

Labcorp Genetics (formerly Invitae), Labcorp
Classification: Uncertain significance for Combined immunodeficiency due to LRBA deficiency. Last evaluated: 2022-10-25. Review status: criteria provided, single submitter. Criteria: Invitae Variant Classification Sherloc (09022015). Collection method: clinical testing. Allele origin: germline.
Comment: In summary, the available evidence is currently insufficient to determine the role of this variant in disease. Therefore, it has been classified as a Variant of Uncertain Significance. Algorithms developed to predict the effect of missense changes on protein structure and function are either unavailable or do not agree on the potential impact of this missense change (SIFT: "Deleterious"; PolyPhen-2: "Probably Damaging"; Align-GVGD: "Class C0"). ClinVar contains an entry for this variant (Variation ID: 1314758). This variant has not been reported in the literature in individuals affected with LRBA-related conditions. This variant is present in population databases (rs764408115, gnomAD 0.02%). This sequence change replaces arginine, which is basic and polar, with cysteine, which is neutral and slightly polar, at codon 2196 of the LRBA protein (p.Arg2196Cys).

GeneDx
Classification: Uncertain significance. Last evaluated: 2021-04-26. Review status: criteria provided, single submitter. Criteria: GeneDx Variant Classification Process June 2021. Collection method: clinical testing. Allele origin: germline. Affected: yes.
Comment: In silico analysis supports that this missense variant has a deleterious effect on protein structure/function; Has not been previously published as pathogenic or benign to our knowledge